The following is an entry in ClinVar:

NM_000138.5(FBN1):c.1148-1G>C

Gene: FBN1 (fibrillin 1; minus strand). Cytogenetic location: 15q21.1.
Variant type: single nucleotide variant.
Coding change: c.1148-1G>C on transcript NM_000138.5 (MANE Select); the canonical splice acceptor site of the intron before coding-DNA position 1148, G replaced by C.
Molecular consequence: splice acceptor variant.
Genome position (GRCh38, 1-based): chr15:48,516,363, C>G on the plus strand (G>C on the coding strand, the complement: FBN1 is on the minus strand). VCF-style: chr15-48516363-C-G. GRCh37 (hg19) VCF-style: chr15-48808560-C-G.
Other names: c.1148-1G>C (NM_001406716.1).
Identifiers: ClinVar variation 1732987 (VCV001732987.2), dbSNP rs1555400431, ClinGen allele CA392345748.

ClinVar aggregate classification (germline): Likely pathogenic (1 of 4 stars; one submission).

Conditions:
Familial thoracic aortic aneurysm and aortic dissection (TAAD). Also called: Thoracic aortic aneurysms and dissections. Identifiers: Orphanet 91387, MedGen C4707243, MONDO:0019625.

Submission:

Ambry Genetics
Classification: Likely pathogenic for Familial thoracic aortic aneurysm and aortic dissection. Last evaluated: 2019-02-14. Review status: criteria provided, single submitter. Criteria: Ambry Variant Classification Scheme 2023. Collection method: clinical testing. Allele origin: germline.
Comment: The c.1148-1G>C intronic variant results from a G to C substitution one nucleotide upstream from coding exon 10 of the FBN1 gene. This nucleotide position is highly conserved in available vertebrate species. Using the BDGP and ESEfinder splice site prediction tools, this alteration is predicted to create a new alternate splice acceptor site; however, direct evidence is unavailable. A different alteration at the same position, c.1148-1G>A, was detected in two individuals from one family who met Ghent criteria for Marfan syndrome (Becerra-Mu&ntilde;oz VM et al. Orphanet J Rare Dis, 2018 Jan;13:16). Alterations that disrupt the canonical splice site are expected to cause aberrant splicing, resulting in an abnormal protein or a transcript that is subject to nonsense-mediated mRNA decay. As such, this alteration is classified as likely pathogenic.

Literature cited by the submitters: PubMed 10464652.